The following is an entry in ClinVar:

ClinVar aggregate classification (germline): Uncertain significance (1 of 4 stars; one submission).

Submission:

GeneDx
Classification: Uncertain significance. Last evaluated: 2026-04-18. Review status: criteria provided, single submitter. Criteria: GeneDx Variant Classification Process June 2021. Collection method: clinical testing. Allele origin: germline.
Comment: Not observed at significant frequency in large population cohorts (gnomAD); Frameshift variant predicted to result in protein truncation or nonsense mediated decay in a gene or region of a gene for which loss of function is not a well-established mechanism of disease; Has not been previously published as pathogenic or benign to our knowledge

NM_016578.4(RSF1):c.2398dup (p.Arg800fs)

Gene: RSF1 (remodeling and spacing factor 1; minus strand). Cytogenetic location: 11q14.1.
Variant type: Duplication.
Coding change: c.2398dup on transcript NM_016578.4 (MANE Select); coding-DNA position 2398, one base duplicated (A; older notation c.2398dupA).
Protein change: p.Arg800fs; shifts the reading frame from arginine 800.
Molecular consequence: frameshift variant.
Genome position (GRCh38, 1-based): chr11:77,700,831, T duplicated on the plus strand (A on the coding strand, the reverse complement: RSF1 is on the minus strand); the first of 7 consecutive T bases (chr11:77,700,831-77,700,837); duplicating any one gives the same sequence. VCF-style (leftmost placement, unchanged base first): chr11-77700830-C-CT. GRCh37 (hg19) VCF-style: chr11-77411875-C-CT.
Other names: short protein forms R800fs.
Identifiers: ClinVar variation 5037052 (VCV005037052.1).
Genomic context (GRCh38, chr11:77,700,830, plus strand): 5'-TTTTTGTCAGTTTTTTGCAAAGCTGTTGACTCTTCTTCCACCTCATCTTCTCCTTCCCCT[C>CT]TTTTTTTATCAGCTTTCTGATCTCTGATCTCAGCCACTTTTGCAGTGGGTCTAGATATTC-3'